The following is an entry in ClinVar:

ClinVar aggregate classification (germline): Likely pathogenic (1 of 4 stars; one submission).

Submission:

Labcorp Genetics (formerly Invitae), Labcorp
Classification: Likely pathogenic. Last evaluated: 2024-05-19. Review status: criteria provided, single submitter. Criteria: Invitae Variant Classification Sherloc (09022015). Collection method: clinical testing. Allele origin: germline.
Comment: This sequence change affects a donor splice site in intron 6 of the SPTA1 gene. It is expected to disrupt RNA splicing. Variants that disrupt the donor or acceptor splice site typically lead to a loss of protein function (PMID: 16199547), and loss-of-function variants in SPTA1 are known to be pathogenic (PMID: 9192783, 18815189, 31333484, 31723846, 32266426). This variant is not present in population databases (gnomAD no frequency). This variant has not been reported in the literature in individuals affected with SPTA1-related conditions. Algorithms developed to predict the effect of sequence changes on RNA splicing suggest that this variant may disrupt the consensus splice site. In summary, the currently available evidence indicates that the variant is pathogenic, but additional data are needed to prove that conclusively. Therefore, this variant has been classified as Likely Pathogenic.

Literature cited by the submitters: PubMed 16199547; PubMed 9192783; PubMed 18815189; PubMed 31333484; PubMed 31723846; PubMed 32266426.

NM_003126.4(SPTA1):c.812+1G>T

Gene: SPTA1 (spectrin alpha, erythrocytic 1; minus strand). Cytogenetic location: 1q23.1.
Variant type: single nucleotide variant.
Coding change: c.812+1G>T on transcript NM_003126.4 (MANE Select); the canonical splice donor site of the intron after coding-DNA position 812, G replaced by T.
Molecular consequence: splice donor variant.
Genome position (GRCh38, 1-based): chr1:158,678,400, C>A on the plus strand (G>T on the coding strand, the complement: SPTA1 is on the minus strand). VCF-style: chr1-158678400-C-A. GRCh37 (hg19) VCF-style: chr1-158648190-C-A.
Identifiers: ClinVar variation 3653873 (VCV003653873.2).
Genomic context (GRCh38, chr1:158,678,400, plus strand): 5'-AAAGACACGGTTTTTATAAAGCACTTCAAAGTTTTCTATAAAGCAGTGGCCAGATCCATA[C>A]CTTTTGAATCGTTGTAAGTTTGCAGCATTGGACAGAGCTTTCTGTCTCTGGAGAGCCAAA-3'